The following is an entry in ClinVar:

NM_012338.4(TSPAN12):c.810C>A (p.His270Gln)

Gene: TSPAN12 (tetraspanin 12; minus strand). Cytogenetic location: 7q31.31.
Variant type: single nucleotide variant.
Coding change: c.810C>A on transcript NM_012338.4 (MANE Select); coding-DNA position 810, C replaced by A.
Protein change: p.His270Gln; replaces histidine 270 with glutamine.
Molecular consequence: missense variant.
Genome position (GRCh38, 1-based): chr7:120,788,700, G>T on the plus strand (C>A on the coding strand, the complement: TSPAN12 is on the minus strand). VCF-style: chr7-120788700-G-T. GRCh37 (hg19) VCF-style: chr7-120428754-G-T.
Other names: c.810C>A (NM_012338.3); short protein forms H270Q.
Identifiers: ClinVar variation 1019050 (VCV001019050.12), dbSNP rs1049569979, ClinGen allele CA165834843.

ClinVar aggregate classification (germline): Uncertain significance. Review status: criteria provided, multiple submitters, no conflicts (2 of 4 stars). 3 submissions from 3 submitters: Uncertain significance (3). Last evaluated 2025-08-13.

Conditions:
Inborn genetic diseases. Identifiers: MedGen C0950123, MeSH D030342.

gnomAD v4.1: 46 of 1,614,130 alleles (0.0028%); highest among the groups gnomAD compares: Non-Finnish European, 0.0039%; no homozygotes.

Submissions (3):

Ambry Genetics
Classification: Uncertain significance for Inborn genetic diseases. Last evaluated: 2025-08-13. Review status: criteria provided, single submitter. Criteria: Ambry Variant Classification Scheme 2023. Collection method: clinical testing. Allele origin: germline.

Labcorp Genetics (formerly Invitae), Labcorp
Classification: Uncertain significance. Last evaluated: 2022-07-26. Review status: criteria provided, single submitter. Criteria: Invitae Variant Classification Sherloc (09022015). Collection method: clinical testing. Allele origin: germline.
Comment: In summary, the available evidence is currently insufficient to determine the role of this variant in disease. Therefore, it has been classified as a Variant of Uncertain Significance. Algorithms developed to predict the effect of missense changes on protein structure and function (SIFT, PolyPhen-2, Align-GVGD) all suggest that this variant is likely to be tolerated. ClinVar contains an entry for this variant (Variation ID: 1019050). This variant has not been reported in the literature in individuals affected with TSPAN12-related conditions. This variant is not present in population databases (gnomAD no frequency). This sequence change replaces histidine, which is basic and polar, with glutamine, which is neutral and polar, at codon 270 of the TSPAN12 protein (p.His270Gln).

Blueprint Genetics
Classification: Uncertain significance. Last evaluated: 2019-11-05. Review status: criteria provided, single submitter. Criteria: ACMG Guidelines, 2015. Collection method: clinical testing. Allele origin: germline.